The following is an entry in ClinVar:

NM_001171.6(ABCC6):c.1450A>C (p.Lys484Gln)

Gene: ABCC6 (ATP binding cassette subfamily C member 6; minus strand). Cytogenetic location: 16p13.11.
Variant type: single nucleotide variant.
Coding change: c.1450A>C on transcript NM_001171.6 (MANE Select); coding-DNA position 1450, A replaced by C.
Protein change: p.Lys484Gln; replaces lysine 484 with glutamine.
Molecular consequence: missense variant. On other transcripts: non-coding transcript variant (1).
Genome position (GRCh38, 1-based): chr16:16,190,349, T>G on the plus strand (A>C on the coding strand, the complement: ABCC6 is on the minus strand). VCF-style: chr16-16190349-T-G. GRCh37 (hg19) VCF-style: chr16-16284206-T-G.
Other names: c.1108A>C, p.Lys370Gln (NM_001351800.1); short protein forms K370Q, K484Q.
Identifiers: ClinVar variation 3347007 (VCV003347007.2).

ClinVar aggregate classification (germline): Uncertain significance. Review status: criteria provided, single submitter (1 of 4 stars). 2 submissions from 2 submitters: Uncertain significance (1). 1 of the submissions does not count toward it. Last evaluated 2024-09-03.

Conditions:
ABCC6-related disorder. Also called: ABCC6-related condition.

Submissions (2):

Revvity Omics, Revvity
Classification: Uncertain significance. Last evaluated: 2024-09-03. Review status: criteria provided, single submitter. Criteria: ACMG Guidelines, 2015. Collection method: clinical testing. Allele origin: germline.

PreventionGenetics, part of Exact Sciences
Classification: Uncertain significance for ABCC6-related condition. Last evaluated: 2024-07-02. Review status: no assertion criteria provided. Collection method: clinical testing. Allele origin: germline. Not counted in ClinVar's aggregate classification.
Comment: The ABCC6 c.1450A>C variant is predicted to result in the amino acid substitution p.Lys484Gln. To our knowledge, this variant has not been reported in the literature or in a large population database, indicating this variant is rare. At this time, the clinical significance of this variant is uncertain due to the absence of conclusive functional and genetic evidence.